The following is an entry in ClinVar:

NM_017827.4(SARS2):c.1238G>A (p.Arg413Gln)

Gene: SARS2 (seryl-tRNA synthetase 2, mitochondrial; minus strand). Cytogenetic location: 19q13.2.
Variant type: single nucleotide variant.
Coding change: c.1238G>A on transcript NM_017827.4 (MANE Select); coding-DNA position 1238, G replaced by A.
Protein change: p.Arg413Gln; replaces arginine 413 with glutamine.
Molecular consequence: missense variant.
Genome position (GRCh38, 1-based): chr19:38,916,237, C>T on the plus strand (G>A on the coding strand, the complement: SARS2 is on the minus strand). VCF-style: chr19-38916237-C-T. GRCh37 (hg19) VCF-style: chr19-39406877-C-T.
Other names: c.1244G>A, p.Arg415Gln (NM_001145901.2); c.1238G>A (NM_017827.3); short protein forms R415Q, R413Q.
Identifiers: ClinVar variation 3573732 (VCV003573732.1).
Genomic context (GRCh38, chr19:38,916,237, plus strand): 5'-GCCTGTCCTCCTGCCCACCCCGTCCCCAGCGGCACAGGGCTCACCTCTCCAAAGCGGCCT[C>T]GGCCTGGCATCCAGGCCTCAATGTCAAACTTGCGGTAGGCGGGGAGGCCCAGTTCTTGGG-3'
Protein context (NP_060297.1, residues 403-423): KFDIEAWMPG[Arg413Gln]GRFGEVTSAS

ClinVar aggregate classification (germline): Uncertain significance. Review status: criteria provided, multiple submitters, no conflicts (2 of 4 stars). 2 submissions from 2 submitters: Uncertain significance (2). Last evaluated 2024-07-16.

Conditions:
Hyperuricemia, pulmonary hypertension, renal failure, alkalosis syndrome (HUPRAS). Also called: HYPERURICEMIA, PULMONARY HYPERTENSION, RENAL FAILURE, AND ALKALOSIS SYNDROME; HUPRA SYNDROME. Identifiers: Orphanet 363694, MedGen C3151209, MONDO:0013458, OMIM 613845.

gnomAD v4.1: 11 of 1,613,918 alleles (0.00068%); highest among the groups gnomAD compares: Admixed American, 0.0033%; no homozygotes.

Submissions (2):

GeneDx
Classification: Uncertain significance. Last evaluated: 2024-07-16. Review status: criteria provided, single submitter. Criteria: GeneDx Variant Classification Process June 2021. Collection method: clinical testing. Allele origin: germline. Affected: yes.
Comment: Not observed at significant frequency in large population cohorts (gnomAD); In silico analysis indicates that this missense variant does not alter protein structure/function; Has not been previously published as pathogenic or benign to our knowledge

Fulgent Genetics
Classification: Uncertain significance for Hyperuricemia, pulmonary hypertension, renal failure, alkalosis syndrome. Last evaluated: 2024-06-12. Review status: criteria provided, single submitter. Criteria: ACMG Guidelines, 2015. Collection method: clinical testing. Allele origin: germline.